The following is an entry in ClinVar:

NM_025179.4(PLXNA2):c.2992G>A (p.Gly998Arg)

Gene: PLXNA2 (plexin A2; minus strand). Cytogenetic location: 1q32.2.
Variant type: single nucleotide variant.
Coding change: c.2992G>A on transcript NM_025179.4 (MANE Select); coding-DNA position 2992, G replaced by A.
Protein change: p.Gly998Arg; replaces glycine 998 with arginine.
Molecular consequence: missense variant.
Genome position (GRCh38, 1-based): chr1:208,052,328, C>T on the plus strand (G>A on the coding strand, the complement: PLXNA2 is on the minus strand). VCF-style: chr1-208052328-C-T. GRCh37 (hg19) VCF-style: chr1-208225673-C-T.
Other names: short protein forms G998R.
Identifiers: ClinVar variation 2636653 (VCV002636653.4), dbSNP rs368033332, ClinGen allele CA1373335.

ClinVar aggregate classification (germline): Uncertain significance (1 of 4 stars; one submission).

Conditions:
PLXNA2-related disorder. Also called: PLXNA2-related condition.

Allele frequency attached by ClinVar (database versions not stated): ExAC 0.00002; gnomAD 0.00003; TOPMed 0.00003; ESP Exome Variant Server 0.00008.

Submission:

PreventionGenetics, part of Exact Sciences
Classification: Uncertain significance for PLXNA2-related condition. Last evaluated: 2024-10-10. Review status: criteria provided, single submitter. Criteria: ACMG Guidelines, 2015. Collection method: clinical testing. Allele origin: germline.
Comment: The PLXNA2 c.2992G>A variant is predicted to result in the amino acid substitution p.Gly998Arg. To our knowledge, this variant has not been reported in the literature. This variant is reported in 0.0050% of alleles in individuals of East Asian descent in gnomAD. At this time, the clinical significance of this variant is uncertain due to the absence of conclusive functional and genetic evidence.